The following is an entry in ClinVar:

ClinVar aggregate classification (germline): Likely benign (0 of 4 stars; one submission).

Conditions:
NME1-NME2-related disorder. Also called: NME1-NME2-related condition.

Allele frequency attached by ClinVar (database versions not stated): TOPMed below 0.00001; gnomAD 0.00001.
gnomAD v4.1: 5 of 1,614,066 alleles (0.00031%); highest among the groups gnomAD compares: Admixed American, 0.0017%; no homozygotes.

Submission:

PreventionGenetics, part of Exact Sciences
Classification: Likely benign for NME1-NME2-related condition. Last evaluated: 2019-08-14. Review status: no assertion criteria provided. Collection method: clinical testing. Allele origin: germline.
Comment: This variant is classified as likely benign based on ACMG/AMP sequence variant interpretation guidelines (Richards et al. 2015 PMID: 25741868, with internal and published modifications).

NM_001018136.3(NME1-NME2):c.21C>A (p.Thr7=)

Genes: NME1 (NME/NM23 nucleoside diphosphate kinase 1; plus strand), NME1-NME2 (NME1-NME2 readthrough; plus strand). Cytogenetic location: 17q21.33.
Variant type: single nucleotide variant.
Coding change: c.21C>A on transcript NM_001018136.3; coding-DNA position 21, C replaced by A.
Protein change: p.Thr7=; no amino-acid change (threonine 7 retained).
Molecular consequence: synonymous variant. On other transcripts: non-coding transcript variant (1).
Genome position (GRCh38, 1-based): chr17:51,155,675, C>A. VCF-style: chr17-51155675-C-A. GRCh37 (hg19) VCF-style: chr17-49233036-C-A.
Other names: c.21C>A, p.Thr7= (NM_000269.3); c.96C>A, p.Thr32= (NM_198175.1).
Identifiers: ClinVar variation 3052782 (VCV003052782.2), dbSNP rs1598235588, ClinGen allele CA500905183.